The following is an entry in ClinVar:

ClinVar aggregate classification (germline): Uncertain significance (1 of 4 stars; one submission).

Conditions:
Peroxisome biogenesis disorder. Identifiers: Orphanet 79189, MedGen C1832200, MONDO:0019234. Disease mechanism: loss of function.

Allele frequency attached by ClinVar (database versions not stated): gnomAD exomes below 0.00001; ExAC 0.00001.
gnomAD v4.1: 1 of 1,613,878 alleles (0.000062%); highest among the groups gnomAD compares: Admixed American, 0.0017%; no homozygotes.

Submission:

Labcorp Genetics (formerly Invitae), Labcorp
Classification: Uncertain significance for Peroxisome biogenesis disorder. Last evaluated: 2023-11-27. Review status: criteria provided, single submitter. Criteria: Invitae Variant Classification Sherloc (09022015). Collection method: clinical testing. Allele origin: germline.
Comment: This sequence change replaces glutamine, which is neutral and polar, with glutamic acid, which is acidic and polar, at codon 965 of the PEX6 protein (p.Gln965Glu). This variant is present in population databases (rs777973683, gnomAD 0.006%). This variant has not been reported in the literature in individuals affected with PEX6-related conditions. ClinVar contains an entry for this variant (Variation ID: 2156616). Advanced modeling of protein sequence and biophysical properties (such as structural, functional, and spatial information, amino acid conservation, physicochemical variation, residue mobility, and thermodynamic stability) performed at Invitae indicates that this missense variant is not expected to disrupt PEX6 protein function with a negative predictive value of 95%. In summary, the available evidence is currently insufficient to determine the role of this variant in disease. Therefore, it has been classified as a Variant of Uncertain Significance.

NM_000287.4(PEX6):c.2893C>G (p.Gln965Glu)

Gene: PEX6 (peroxisomal biogenesis factor 6; minus strand). Cytogenetic location: 6p21.1.
Variant type: single nucleotide variant.
Coding change: c.2893C>G on transcript NM_000287.4 (MANE Select); coding-DNA position 2893, C replaced by G.
Protein change: p.Gln965Glu; replaces glutamine 965 with glutamic acid.
Molecular consequence: missense variant. On other transcripts: non-coding transcript variant (1).
Genome position (GRCh38, 1-based): chr6:42,964,385, G>C on the plus strand (C>G on the coding strand, the complement: PEX6 is on the minus strand). VCF-style: chr6-42964385-G-C. GRCh37 (hg19) VCF-style: chr6-42932123-G-C.
Other names: c.2629C>G, p.Gln877Glu (NM_001316313.2); short protein forms Q877E, Q965E.
Identifiers: ClinVar variation 2156616 (VCV002156616.4), dbSNP rs777973683, ClinGen allele CA3810871.